The following is an entry in ClinVar:

NM_000384.3(APOB):c.2743G>C (p.Val915Leu)

Gene: APOB (apolipoprotein B; minus strand). Cytogenetic location: 2p24.1.
Variant type: single nucleotide variant.
Coding change: c.2743G>C on transcript NM_000384.3 (MANE Select); coding-DNA position 2743, G replaced by C.
Protein change: p.Val915Leu; replaces valine 915 with leucine.
Molecular consequence: missense variant.
Genome position (GRCh38, 1-based): chr2:21,022,904, C>G on the plus strand (G>C on the coding strand, the complement: APOB is on the minus strand). VCF-style: chr2-21022904-C-G. GRCh37 (hg19) VCF-style: chr2-21245776-C-G.
Other names: short protein forms V915L.
Identifiers: ClinVar variation 2586183 (VCV002586183.2), dbSNP rs375143090, ClinGen allele CA346010620.
Genomic context (GRCh38, chr2:21,022,904, plus strand): 5'-GCTTGACTGGTCTCTTTGGGGAAGGAATGATAAACTTCAGCTTCCCAGCTTTTAGGGCAA[C>G]ATGAGCCTCCAGACCCGACTCGTGGAAGAAGTTGGTGTTCATCTGGACCCCACTCCTAGC-3'
Protein context (NP_000375.3, residues 905-925): FFHESGLEAH[Val915Leu]ALKAGKLKFI

ClinVar aggregate classification (germline): Uncertain significance (1 of 4 stars; one submission).

Conditions:
Cardiovascular phenotype. Identifiers: MedGen CN230736.

Submission:

Ambry Genetics
Classification: Uncertain significance for Cardiovascular phenotype. Last evaluated: 2023-07-23. Review status: criteria provided, single submitter. Criteria: Ambry Variant Classification Scheme 2023. Collection method: clinical testing. Allele origin: germline.
Comment: The p.V915L variant (also known as c.2743G>C), located in coding exon 18 of the APOB gene, results from a G to C substitution at nucleotide position 2743. The valine at codon 915 is replaced by leucine, an amino acid with highly similar properties. This amino acid position is conserved. In addition, this alteration is predicted to be tolerated by in silico analysis. Since supporting evidence is limited at this time, the clinical significance of this alteration remains unclear.